The following is an entry in ClinVar:

NM_006445.4(PRPF8):c.694C>T (p.Leu232=)

Gene: PRPF8 (pre-mRNA processing factor 8; minus strand). Cytogenetic location: 17p13.3.
Variant type: single nucleotide variant.
Coding change: c.694C>T on transcript NM_006445.4 (MANE Select); coding-DNA position 694, C replaced by T.
Protein change: p.Leu232=; no amino-acid change (leucine 232 retained).
Molecular consequence: synonymous variant.
Genome position (GRCh38, 1-based): chr17:1,681,650, G>A on the plus strand (C>T on the coding strand, the complement: PRPF8 is on the minus strand). VCF-style: chr17-1681650-G-A. GRCh37 (hg19) VCF-style: chr17-1584944-G-A.
Identifiers: ClinVar variation 5040028 (VCV005040028.1).

ClinVar aggregate classification (germline): Likely benign (1 of 4 stars; one submission).

Submission:

CeGaT Center for Human Genetics Tuebingen
Classification: Likely benign. Last evaluated: 2026-07-01. Review status: criteria provided, single submitter. Criteria: CeGaT Center For Human Genetics Tuebingen Variant Classification Criteria Version 2. Collection method: clinical testing. Allele origin: germline. Affected: yes. Observed: 1 variant allele.
Comment: PRPF8: PM2:Supporting, BP4, BP7